The following is an entry in ClinVar:

ClinVar aggregate classification (germline): Uncertain significance (1 of 4 stars; one submission).

Conditions:
Long QT syndrome (LQTS). Identifiers: MedGen C0023976, MeSH D008133, MONDO:0002442. Disease mechanism: loss of function. Inheritance: Various modes of inheritance.

Allele frequency attached by ClinVar (database versions not stated): gnomAD exomes below 0.00001.
gnomAD v4.1: 6 of 1,570,132 alleles (0.00038%); highest among the groups gnomAD compares: Non-Finnish European, 0.00052%; no homozygotes.

Submission:

Labcorp Genetics (formerly Invitae), Labcorp
Classification: Uncertain significance for Long QT syndrome. Last evaluated: 2016-02-29. Review status: criteria provided, single submitter. Criteria: Invitae Variant Classification Sherloc (09022015). Collection method: clinical testing. Allele origin: germline.
Comment: In summary, this variant is a novel missense change that is not predicted to affect protein function. There is no indication that it causes disease, but the available evidence is currently insufficient to prove that conclusively. Therefore, it has been classified as a Variant of Uncertain Significance. Algorithms developed to predict the effect of missense changes on protein structure and function (SIFT, PolyPhen-2, Align-GVGD) all suggest that this variant is likely to be tolerated, but these predictions have not been confirmed by published functional studies. This variant is not present in population databases (ExAC no frequency) and has not been reported in the literature in individuals with a KCNQ1-related disease. This sequence change replaces methionine with isoleucine at codon 612 of the KCNQ1 protein (p.Met612Ile). The methionine residue is moderately conserved and there is a small physicochemical difference between methionine and isoleucine.

NM_000218.3(KCNQ1):c.1836G>A (p.Met612Ile)

Genes: KCNQ1 (potassium voltage-gated channel subfamily Q member 1; plus strand), KCNQ1-AS1 (KCNQ1 antisense RNA 1; minus strand). Cytogenetic location: 11p15.4.
Variant type: single nucleotide variant.
Coding change: c.1836G>A on transcript NM_000218.3 (MANE Select); coding-DNA position 1836, G replaced by A.
Protein change: p.Met612Ile; replaces methionine 612 with isoleucine.
Molecular consequence: missense variant.
Genome position (GRCh38, 1-based): chr11:2,847,808, G>A. VCF-style: chr11-2847808-G-A. GRCh37 (hg19) VCF-style: chr11-2869038-G-A.
Other names: c.1740G>A, p.Met580Ile (NM_001406836.1); c.1566G>A, p.Met522Ile (NM_001406837.1); c.1296G>A, p.Met432Ile (NM_001406838.1); c.348G>A, p.Met116Ile (NM_001406839.1); c.1455G>A, p.Met485Ile (NM_181798.2); short protein forms M485I, M612I, M116I, M432I, M522I, M580I.
Identifiers: ClinVar variation 237225 (VCV000237225.8), dbSNP rs878853756, ClinGen allele CA10582887.